The following is an entry in ClinVar:

NM_017637.6(BNC2):c.2779A>G (p.Met927Val)

Gene: BNC2 (basonuclin zinc finger protein 2; minus strand). Cytogenetic location: 9p22.3.
Variant type: single nucleotide variant.
Coding change: c.2779A>G on transcript NM_017637.6 (MANE Select); coding-DNA position 2779, A replaced by G.
Protein change: p.Met927Val; replaces methionine 927 with valine.
Molecular consequence: missense variant. On other transcripts: 3 prime UTR variant (1).
Genome position (GRCh38, 1-based): chr9:16,419,510, T>C on the plus strand (A>G on the coding strand, the complement: BNC2 is on the minus strand). VCF-style: chr9-16419510-T-C. GRCh37 (hg19) VCF-style: chr9-16419508-T-C.
Other names: c.*123A>G (NM_001317939.2); c.2494A>G, p.Met832Val (NM_001317940.2); short protein forms M832V, M927V.
Identifiers: ClinVar variation 4997370 (VCV004997370.1).

ClinVar aggregate classification (germline): Uncertain significance (1 of 4 stars; one submission).

Conditions:
BNC2-related disorder. Also called: BNC2-related condition.

gnomAD v4.1: 7 of 1,613,986 alleles (0.00043%); highest among the groups gnomAD compares: Non-Finnish European, 0.00059%; no homozygotes.

Submission:

PreventionGenetics, part of Exact Sciences
Classification: Uncertain significance for BNC2-related condition. Last evaluated: 2025-03-12. Review status: criteria provided, single submitter. Criteria: ACMG Guidelines, 2015. Collection method: clinical testing. Allele origin: germline.
Comment: The BNC2 c.2779A>G variant is predicted to result in the amino acid substitution p.Met927Val. To our knowledge, this variant has not been reported in the literature or in a large population database (gnomAD), indicating this variant is rare. At this time, the clinical significance of this variant is uncertain due to the absence of conclusive functional and genetic evidence.